The following is an entry in ClinVar:

NM_004815.4(ARHGAP29):c.1706G>A (p.Arg569Gln)

Gene: ARHGAP29 (Rho GTPase activating protein 29; minus strand). Cytogenetic location: 1p22.1.
Variant type: single nucleotide variant.
Coding change: c.1706G>A on transcript NM_004815.4 (MANE Select); coding-DNA position 1706, G replaced by A.
Protein change: p.Arg569Gln; replaces arginine 569 with glutamine.
Molecular consequence: missense variant.
Genome position (GRCh38, 1-based): chr1:94,186,573, C>T on the plus strand (G>A on the coding strand, the complement: ARHGAP29 is on the minus strand). VCF-style: chr1-94186573-C-T. GRCh37 (hg19) VCF-style: chr1-94652129-C-T.
Other names: c.1706G>A, p.Arg569Gln (NM_001328664.2); c.1514G>A, p.Arg505Gln (NM_001328665.2, NM_001328667.2); c.1679G>A, p.Arg560Gln (NM_001328666.2); short protein forms R505Q, R560Q, R569Q.
Identifiers: ClinVar variation 2633472 (VCV002633472.4), dbSNP rs867470445, ClinGen allele CA26847758.

ClinVar aggregate classification (germline): Uncertain significance. Review status: criteria provided, single submitter (1 of 4 stars). 2 submissions from 2 submitters: Uncertain significance (1). 1 of the submissions does not count toward it. Last evaluated 2026-08-01.

Conditions:
ARHGAP29-related disorder. Also called: ARHGAP29-related condition; ARHGAP29-Related Disorders.

Allele frequency attached by ClinVar (database versions not stated): gnomAD exomes below 0.00001; gnomAD 0.00001; TOPMed 0.00001.
gnomAD v4.1: 3 of 1,613,242 alleles (0.00019%); highest among the groups gnomAD compares: Non-Finnish European, 0.00025%; no homozygotes.

Submissions (2):

GeneDx
Classification: Uncertain significance. Last evaluated: 2026-08-01. Review status: criteria provided, single submitter. Criteria: GeneDx Variant Classification Process June 2021. Collection method: clinical testing. Allele origin: germline.
Comment: Not observed at significant frequency in large population cohorts (gnomAD); In silico analysis supports that this missense variant has a deleterious effect on protein structure/function; This variant is associated with the following publications: (PMID: 36902838)

PreventionGenetics, part of Exact Sciences
Classification: Uncertain significance for ARHGAP29-related condition. Last evaluated: 2024-08-27. Review status: no assertion criteria provided. Collection method: clinical testing. Allele origin: germline. Not counted in ClinVar's aggregate classification.
Comment: The ARHGAP29 c.1706G>A variant is predicted to result in the amino acid substitution p.Arg569Gln. This variant has been reported in a patient with a cleft palate (Patient CP_11 in Dąbrowska et al. 2023. PubMed ID: 36902838). This variant has not been reported in a large population database, indicating this variant is rare. Although we suspect that this variant may be pathogenic, at this time, the clinical significance of this variant is uncertain due to the absence of conclusive functional and genetic evidence.